The following is an entry in ClinVar:

NM_012193.4(FZD4):c.*3574C>T

Genes: FZD4 (frizzled class receptor 4; minus strand), PRSS23 (serine protease 23; plus strand). Cytogenetic location: 11q14.2.
Variant type: single nucleotide variant.
Coding change: c.*3574C>T on transcript NM_012193.4 (MANE Select); 3574 bases downstream of the stop codon, C replaced by T.
Molecular consequence: 3 prime UTR variant.
Genome position (GRCh38, 1-based): chr11:86,947,568, G>A on the plus strand (C>T on the coding strand, the complement: FZD4 is on the minus strand). VCF-style: chr11-86947568-G-A. GRCh37 (hg19) VCF-style: chr11-86658610-G-A.
Identifiers: ClinVar variation 306359 (VCV000306359.6), dbSNP rs78806773, ClinGen allele CA10635814.

ClinVar aggregate classification (germline): Benign. Review status: criteria provided, multiple submitters, no conflicts (2 of 4 stars). 2 submissions from 2 submitters: Benign (2). Last evaluated 2018-01-12.

Conditions:
Exudative vitreoretinopathy 1 (EVR1). Also called: CRISWICK-SCHEPENS SYNDROME; FEVR, AUTOSOMAL DOMINANT; Familial exudative vitreoretinopathy, autosomal dominant. Identifiers: Orphanet 891, Orphanet 90050, MedGen C1851402, MONDO:0007589, OMIM 133780.

Allele frequency attached by ClinVar (database versions not stated): gnomAD 0.01478 and 0.01501; 1000 Genomes Project 30x 0.01515; 1000 Genomes Project 0.01597; TOPMed 0.01705.

Submissions (2):

Illumina Laboratory Services, Illumina
Classification: Benign for Exudative vitreoretinopathy 1. Last evaluated: 2018-01-12. Review status: criteria provided, single submitter. Criteria: ICSL Variant Classification Criteria 13 December 2019. Collection method: clinical testing. Allele origin: germline.
Comment: This variant was observed in the ICSL laboratory as part of a predisposition screen in an ostensibly healthy population. It had not been previously curated by ICSL or reported in the Human Gene Mutation Database (HGMD: prior to June 1st, 2018), and was therefore a candidate for classification through an automated scoring system. Utilizing variant allele frequency, disease prevalence and penetrance estimates, and inheritance mode, an automated score was calculated to assess if this variant is too frequent to cause the disease. Based on the score and internal cut-off values, a variant classified as benign is not then subjected to further curation. The score for this variant resulted in a classification of benign for this disease.

Breakthrough Genomics
Classification: Benign. Review status: criteria provided, single submitter. Criteria: ACMG Guidelines, 2015. Collection method: not provided. Allele origin: germline. Inheritance: Autosomal dominant inheritance. Affected: yes.